The following is an entry in ClinVar:

NM_001035.3(RYR2):c.9667G>A (p.Glu3223Lys)

Gene: RYR2 (ryanodine receptor 2; plus strand). Cytogenetic location: 1q43.
Variant type: single nucleotide variant.
Coding change: c.9667G>A on transcript NM_001035.3 (MANE Select); coding-DNA position 9667, G replaced by A.
Protein change: p.Glu3223Lys; replaces glutamic acid 3223 with lysine.
Molecular consequence: missense variant.
Genome position (GRCh38, 1-based): chr1:237,707,035, G>A. VCF-style: chr1-237707035-G-A. GRCh37 (hg19) VCF-style: chr1-237870335-G-A.
Other names: short protein forms E3223K.
Identifiers: ClinVar variation 926211 (VCV000926211.19), dbSNP rs556291797, ClinGen allele CA076955.

ClinVar aggregate classification (germline): Conflicting classifications of pathogenicity. Review status: criteria provided, conflicting classifications (1 of 4 stars). 5 submissions from 5 submitters: Uncertain significance (4); Likely benign (1). Last evaluated 2025-08-07.

Conditions:
Cardiomyopathy (CMYO). Also called: Cardiomyopathies. Identifiers: Orphanet 167848, MedGen C0878544, MONDO:0004994, HP:0001638. Inheritance: Various modes of inheritance.
Cardiovascular phenotype. Identifiers: MedGen CN230736.
Catecholaminergic polymorphic ventricular tachycardia (CVPT). Also called: Catecholamine-induced polymorphic ventricular tachycardia. Identifiers: Orphanet 3286, MedGen C5574922, MONDO:0017990.
Catecholaminergic polymorphic ventricular tachycardia 1. Also called: VENTRICULAR TACHYCARDIA, CATECHOLAMINERGIC POLYMORPHIC, 1, WITH OR WITHOUT ATRIAL DYSFUNCTION AND/OR DILATED CARDIOMYOPATHY; VENTRICULAR TACHYCARDIA, STRESS-INDUCED POLYMORPHIC 1; RYR2-Related Catecholaminergic Polymorphic Ventricular Tachycardia. Identifiers: Orphanet 3286, MedGen C1631597, MONDO:0011484, OMIM 604772.

Allele frequency attached by ClinVar (database versions not stated): TOPMed below 0.00001; gnomAD 0.00001; gnomAD exomes 0.00001 and 0.00003; ExAC 0.00006; 1000 Genomes Project 0.00020; 1000 Genomes Project 30x 0.00031.
gnomAD v4.1: 14 of 1,613,848 alleles (0.00087%); highest among the groups gnomAD compares: South Asian, 0.0055%; no homozygotes.

Submissions (5):

Labcorp Genetics (formerly Invitae), Labcorp
Classification: Likely benign for Catecholaminergic polymorphic ventricular tachycardia 1. Last evaluated: 2025-08-07. Review status: criteria provided, single submitter. Criteria: Invitae Variant Classification Sherloc (09022015). Collection method: clinical testing. Allele origin: germline.

All of Us Research Program, National Institutes of Health
Classification: Uncertain significance for Catecholaminergic polymorphic ventricular tachycardia. Last evaluated: 2024-09-23. Review status: criteria provided, single submitter. Criteria: ACMG Guidelines, 2015. Collection method: clinical testing. Allele origin: germline. Inheritance: Autosomal dominant inheritance. Observed: 2 variant alleles, 2 heterozygotes.
Comment: This missense variant replaces glutamic acid with lysine at codon 3223 of the RYR2 protein. Computational prediction is inconclusive regarding the impact of this variant on protein structure and function (internally defined REVEL score threshold 0.5 < inconclusive < 0.7, PMID: 27666373). Splice site prediction tools suggest that this variant may not impact RNA splicing. To our knowledge, functional studies have not been reported for this variant. This variant has not been reported in individuals affected with cardiovascular disorders in the literature. This variant has been identified in 8/249118 chromosomes in the general population by the Genome Aggregation Database (gnomAD). The available evidence is insufficient to determine the role of this variant in disease conclusively. Therefore, this variant is classified as a Variant of Uncertain Significance.

This study involves interpretation of variants in research participants for the purpose of population health screening. Participant phenotype was not available at the time of variant classification. Additional details can be found in publication PMID: 35346344, PMCID: PMC8962531

Color Diagnostics, LLC DBA Color Health
Classification: Uncertain significance for Cardiomyopathy. Last evaluated: 2024-07-24. Review status: criteria provided, single submitter. Criteria: ACMG Guidelines, 2015. Collection method: clinical testing. Allele origin: germline.
Comment: This missense variant replaces glutamic acid with lysine at codon 3223 of the RYR2 protein. Computational prediction is inconclusive regarding the impact of this variant on protein structure and function. To our knowledge, functional studies have not been reported for this variant. This variant has not been reported in individuals affected with cardiovascular disorders in the literature. This variant has been identified in 8/249118 chromosomes in the general population by the Genome Aggregation Database (gnomAD). The available evidence is insufficient to determine the role of this variant in disease conclusively. Therefore, this variant is classified as a Variant of Uncertain Significance.

Ambry Genetics
Classification: Uncertain significance for Cardiovascular phenotype. Last evaluated: 2022-12-22. Review status: criteria provided, single submitter. Criteria: Ambry Variant Classification Scheme 2023. Collection method: clinical testing. Allele origin: germline.
Comment: The p.E3223K variant (also known as c.9667G>A), located in coding exon 68 of the RYR2 gene, results from a G to A substitution at nucleotide position 9667. The glutamic acid at codon 3223 is replaced by lysine, an amino acid with similar properties. This amino acid position is highly conserved in available vertebrate species. In addition, the in silico prediction for this alteration is inconclusive. Since supporting evidence is limited at this time, the clinical significance of this alteration remains unclear.

GeneDx
Classification: Uncertain significance. Last evaluated: 2021-05-10. Review status: criteria provided, single submitter. Criteria: GeneDx Variant Classification Process June 2021. Collection method: clinical testing. Allele origin: germline. Affected: yes.
Comment: Has not been previously published as pathogenic or benign to our knowledge; In silico analysis, which includes protein predictors and evolutionary conservation, supports a deleterious effect; Not located in one of the three hot-spot regions of the RYR2 gene, where the majority of pathogenic missense variants occur (Medeiros-Domingo et al., 2009); Reported in ClinVar as a variant of uncertain significance (ClinVar Variant ID# 926211; Landrum et al., 2016)